The following is an entry in ClinVar:

NM_000089.4(COL1A2):c.1243G>A (p.Gly415Ser)

Gene: COL1A2 (collagen type I alpha 2 chain; plus strand). Cytogenetic location: 7q21.3.
Variant type: single nucleotide variant.
Coding change: c.1243G>A on transcript NM_000089.4 (MANE Select); coding-DNA position 1243, G replaced by A.
Protein change: p.Gly415Ser; replaces glycine 415 with serine.
Molecular consequence: missense variant.
Genome position (GRCh38, 1-based): chr7:94,410,934, G>A. VCF-style: chr7-94410934-G-A. GRCh37 (hg19) VCF-style: chr7-94040246-G-A.
Other names: short protein forms G415S.
Identifiers: ClinVar variation 5018653 (VCV005018653.2).

ClinVar aggregate classification (germline): Likely pathogenic (1 of 4 stars; one submission).

Conditions:
Ehlers-Danlos syndrome, cardiac valvular type. Identifiers: Orphanet 230851, MedGen C4303789, MONDO:0009159, OMIM 225320.
Osteogenesis imperfecta, perinatal lethal (OI2). Also called: OSTEOGENESIS IMPERFECTA, TYPE II; Osteogenesis imperfecta, dominant perinatal lethal; OI, TYPE II; OSTEOGENESIS IMPERFECTA CONGENITA; Osteogenesis imperfecta type 2; VROLIK TYPE OF OSTEOGENESIS IMPERFECTA. Identifiers: Orphanet 216804, MedGen C0268358, MONDO:0008147, OMIM 166210.
Osteogenesis imperfecta type III (OI3). Also called: Osteogenesis imperfecta type 3; OI type 3; Osteogenesis imperfecta, progressively deforming with normal sclerae; OI type III; Progressively Deforming Osteogenesis Imperfecta. Identifiers: Orphanet 216812, Orphanet 666, MedGen C0268362, MONDO:0009804, OMIM 259420.
Ehlers-Danlos syndrome, arthrochalasia type, 2. Also called: EHLERS-DANLOS SYNDROME, TYPE VIIB, AUTOSOMAL DOMINANT. Identifiers: MedGen CN293783, MONDO:0040501, OMIM 617821.
Osteogenesis imperfecta with normal sclerae, dominant form (OI4). Also called: OSTEOGENESIS IMPERFECTA WITH NORMAL SCLERAE; Osteogenesis imperfecta type 4; OSTEOGENESIS IMPERFECTA, TYPE IV, WITH DENTINOGENESIS IMPERFECTA; Osteogenesis Imperfecta Type IV; Common Variable Osteogenesis Imperfecta with Normal Sclerae. Identifiers: Orphanet 216820, Orphanet 666, MedGen C0268363, MONDO:0008148, OMIM 166220.
Combined osteogenesis imperfecta and Ehlers-Danlos syndrome 2. Also called: OIEDS SYNDROME 2. Identifiers: MedGen C5436847, MONDO:0030855, OMIM 619120.
Osteoporosis. Identifiers: MedGen C0029456, MONDO:0005298, OMIM 166710, HP:0000939.

Submission:

Juno Genomics, Hangzhou Juno Genomics, Inc
Classification: Likely pathogenic for Osteoporosis; Combined osteogenesis imperfecta and Ehlers-Danlos syndrome 2; Ehlers-Danlos syndrome, arthrochalasia type, 2; Ehlers-Danlos syndrome, cardiac valvular type; Osteogenesis imperfecta, perinatal lethal; Osteogenesis imperfecta type III; Osteogenesis imperfecta with normal sclerae, dominant form. Review status: criteria provided, single submitter. Criteria: ACMG Guidelines, 2015. Collection method: clinical testing. Allele origin: germline.
Comment: Absent from controls (or at extremely low frequency if recessive) in Genome Aggregation Database.;Multiple lines of computational evidence support a deleterious effect on the gene or gene product.;Missense variant in a gene that has a low rate of benign missense variation.;The prevalence of the variant in affected individuals is significantly increased compared to the prevalence in controls.